The following is an entry in ClinVar:

NM_001204.7(BMPR2):c.2491del (p.Leu831fs)

Gene: BMPR2 (bone morphogenetic protein receptor type 2; plus strand). Cytogenetic location: 2q33.2.
Variant type: Deletion.
Coding change: c.2491del on transcript NM_001204.7 (MANE Select); coding-DNA position 2491, one base deleted (C; older notation c.2491delC).
Protein change: p.Leu831fs; shifts the reading frame from leucine 831.
Molecular consequence: frameshift variant.
Genome position (GRCh38, 1-based): chr2:202,556,156, C deleted. VCF-style (leftmost placement, unchanged base first): chr2-202556155-AC-A. GRCh37 (hg19) VCF-style: chr2-203420878-AC-A.
Other names: short protein forms L831fs.
Identifiers: ClinVar variation 4716752 (VCV004716752.1).

ClinVar aggregate classification (germline): Pathogenic (1 of 4 stars; one submission).

Conditions:
Primary pulmonary hypertension. Also called: Idiopathic pulmonary hypertension. Identifiers: MedGen C0152171.

Submission:

Labcorp Genetics (formerly Invitae), Labcorp
Classification: Pathogenic for Primary pulmonary hypertension. Last evaluated: 2025-04-06. Review status: criteria provided, single submitter. Criteria: Invitae Variant Classification Sherloc (09022015). Collection method: clinical testing. Allele origin: germline.
Comment: This sequence change creates a premature translational stop signal (p.Leu831Tyrfs*8) in the BMPR2 gene. It is expected to result in an absent or disrupted protein product. Loss-of-function variants in BMPR2 are known to be pathogenic (PMID: 16429395). This variant is not present in population databases (gnomAD no frequency). This variant has not been reported in the literature in individuals affected with BMPR2-related conditions. For these reasons, this variant has been classified as Pathogenic.

Literature cited by the submitters: PubMed 16429395.